The following is an entry in ClinVar:

NM_001312673.2(PCYT1A):c.996del (p.Ser333fs)

Gene: PCYT1A (phosphate cytidylyltransferase 1A, choline; minus strand). Cytogenetic location: 3q29.
Variant type: Deletion.
Coding change: c.996del on transcript NM_001312673.2 (MANE Select); coding-DNA position 996, one base deleted (C; older notation c.996delC).
Protein change: p.Ser333fs; shifts the reading frame from serine 333.
Molecular consequence: frameshift variant.
Genome position (GRCh38, 1-based): chr3:196,238,796, G deleted on the plus strand (C on the coding strand, the reverse complement: PCYT1A is on the minus strand); the first of 5 consecutive G bases (chr3:196,238,796-196,238,800); deleting any one gives the same sequence. VCF-style (leftmost placement, unchanged base first): chr3-196238795-AG-A. GRCh37 (hg19) VCF-style: chr3-195965666-AG-A.
Other names: c.996del, p.Ser333fs (NM_005017.4); short protein forms S333fs.
Identifiers: ClinVar variation 942178 (VCV000942178.6), dbSNP rs757164118, ClinGen allele CA2779357.

ClinVar aggregate classification (germline): Uncertain significance. Review status: criteria provided, multiple submitters, no conflicts (2 of 4 stars). 3 submissions from 3 submitters: Uncertain significance (2). 1 of the submissions does not count toward it. Last evaluated 2024-05-23.

Conditions:
Lipodystrophy, congenital generalized, type 5 (CGL5). Identifiers: MedGen C5882745, MONDO:0958023, OMIM 620680.

Submissions (3):

Labcorp Genetics (formerly Invitae), Labcorp
Classification: Uncertain significance. Last evaluated: 2024-05-23. Review status: criteria provided, single submitter. Criteria: Invitae Variant Classification Sherloc (09022015). Collection method: clinical testing. Allele origin: germline.
Comment: This sequence change results in a frameshift in the PCYT1A gene (p.Ser333Leufs*164). While this is not anticipated to result in nonsense mediated decay, it is expected to disrupt the last 35 amino acid(s) of the PCYT1A protein and extend the protein by 128 additional amino acid residues. The frequency data for this variant in the population databases is considered unreliable, as metrics indicate poor data quality at this position in the gnomAD database. This frameshift has been observed in individual(s) with clinical features of congenital lipodystrophy (PMID: 24889630). ClinVar contains an entry for this variant (Variation ID: 942178). Algorithms developed to predict the effect of variants on gene product structure and function are not available or were not evaluated for this variant. Experimental studies have shown that this frameshift affects PCYT1A function (PMID: 24889630). In summary, the available evidence is currently insufficient to determine the role of this variant in disease. Therefore, it has been classified as a Variant of Uncertain Significance.

Blueprint Genetics
Classification: Uncertain significance. Last evaluated: 2022-10-13. Review status: criteria provided, single submitter. Criteria: ACMG Guidelines, 2015. Collection method: clinical testing. Allele origin: germline.

OMIM
Classification: Pathogenic for LIPODYSTROPHY, CONGENITAL GENERALIZED, TYPE 5. Last evaluated: 2024-01-19. Review status: no assertion criteria provided. Collection method: literature only. Allele origin: germline. Not counted in ClinVar's aggregate classification.

Literature cited by the submitters: PubMed 24889630 (cited by Labcorp Genetics (formerly Invitae), Labcorp and OMIM).